The following is an entry in ClinVar:

NM_025114.4(CEP290):c.516+8T>G

Gene: CEP290 (centrosomal protein 290; minus strand). Cytogenetic location: 12q21.32.
Variant type: single nucleotide variant.
Coding change: c.516+8T>G on transcript NM_025114.4 (MANE Select); 8 bases into the intron after coding-DNA position 516, T replaced by G.
Molecular consequence: intron variant.
Genome position (GRCh38, 1-based): chr12:88,130,537, A>C on the plus strand (T>G on the coding strand, the complement: CEP290 is on the minus strand). VCF-style: chr12-88130537-A-C. GRCh37 (hg19) VCF-style: chr12-88524314-A-C.
Identifiers: ClinVar variation 3355490 (VCV003355490.1).

ClinVar aggregate classification (germline): Likely benign (0 of 4 stars; one submission).

Conditions:
CEP290-related disorder. Also called: CEP290-related condition; CEP290-related disorders. Identifiers: MedGen CN239314.

Submission:

PreventionGenetics, part of Exact Sciences
Classification: Likely benign for CEP290-related condition. Last evaluated: 2021-09-13. Review status: no assertion criteria provided. Collection method: clinical testing. Allele origin: germline.
Comment: This variant is classified as likely benign based on ACMG/AMP sequence variant interpretation guidelines (Richards et al. 2015 PMID: 25741868, with internal and published modifications).